The following is an entry in ClinVar:

ClinVar aggregate classification (germline): Conflicting classifications of pathogenicity. Review status: criteria provided, conflicting classifications (1 of 4 stars). 2 submissions from 2 submitters: Pathogenic (1); Uncertain significance (1). Last evaluated 2026-04-15.

Conditions:
CHD7-related CHARGE syndrome. Identifiers: MedGen CN380413, MONDO:1010178, OMIM 214800.
Hypogonadotropic hypogonadism 5 with or without anosmia (KAL5). Also called: HYPOGONADOTROPIC HYPOGONADISM 5 WITH ANOSMIA; HYPOGONADOTROPHIC HYPOGONADISM 5 WITHOUT ANOSMIA; CHD7-Related GnRH Deficiency (Kallmann Syndrome 5). Identifiers: Orphanet 478, MedGen C3552553, MONDO:0012880, OMIM 612370. Disease mechanism: loss of function.

Submissions (2):

GeneDx
Classification: Pathogenic. Last evaluated: 2026-04-15. Review status: criteria provided, single submitter. Criteria: GeneDx Variant Classification Process June 2021. Collection method: clinical testing. Allele origin: germline.
Comment: Not observed at significant frequency in large population cohorts (gnomAD); In silico analysis supports that this missense variant has a deleterious effect on protein structure/function; In silico analysis suggests this variant may impact gene splicing. In the absence of RNA/functional studies, the actual effect of this sequence change is unknown.; Has not been previously published as pathogenic or benign to our knowledge

Juno Genomics, Hangzhou Juno Genomics, Inc
Classification: Uncertain significance for CHD7-related CHARGE syndrome; Hypogonadotropic hypogonadism 5 with or without anosmia. Review status: criteria provided, single submitter. Criteria: ACMG Guidelines, 2015. Collection method: clinical testing. Allele origin: germline. Affected: yes.
Comment: Absent from controls (or at extremely low frequency if recessive) in Genome Aggregation Database.;Multiple lines of computational evidence support a deleterious effect on the gene or gene product.;Missense variant in a gene that has a low rate of benign missense variation.

NM_017780.4(CHD7):c.3050G>T (p.Gly1017Val)

Gene: CHD7 (chromodomain helicase DNA binding protein 7; plus strand). Cytogenetic location: 8q12.2.
Variant type: single nucleotide variant.
Coding change: c.3050G>T on transcript NM_017780.4 (MANE Select); coding-DNA position 3050, G replaced by T.
Protein change: p.Gly1017Val; replaces glycine 1017 with valine.
Molecular consequence: missense variant. On other transcripts: intron variant (1).
Genome position (GRCh38, 1-based): chr8:60,822,595, G>T. VCF-style: chr8-60822595-G-T. GRCh37 (hg19) VCF-style: chr8-61735154-G-T.
Other names: c.1717-39634G>T (NM_001316690.1); short protein forms G1017V.
Identifiers: ClinVar variation 5019162 (VCV005019162.2).
Genomic context (GRCh38, chr8:60,822,595, plus strand): 5'-TGGGAAAAACTATCCAGTCCATTACATTTCTCTATGAGATATATTTGAAAGGAATCCATG[G>T]CCCTTTTTTAGTAATTGCCCCATTGTCCACAATCCCCAACTGGGAAAGGGAATTCCGAAC-3'
Protein context (NP_060250.2, residues 1007-1027): LYEIYLKGIH[Gly1017Val]PFLVIAPLST